The following is an entry in ClinVar:

NM_005476.7(GNE):c.1525C>T (p.His509Tyr)

Gene: GNE (glucosamine (UDP-N-acetyl)-2-epimerase/N-acetylmannosamine kinase; minus strand). Cytogenetic location: 9p13.3.
Variant type: single nucleotide variant.
Coding change: c.1525C>T on transcript NM_005476.7 (MANE Select); coding-DNA position 1525, C replaced by T.
Protein change: p.His509Tyr; replaces histidine 509 with tyrosine.
Molecular consequence: missense variant. On other transcripts: intron variant (1).
Genome position (GRCh38, 1-based): chr9:36,222,885, G>A on the plus strand (C>T on the coding strand, the complement: GNE is on the minus strand). VCF-style: chr9-36222885-G-A. GRCh37 (hg19) VCF-style: chr9-36222882-G-A.
Other names: c.1618C>T, p.His540Tyr (NM_001128227.3); c.1195C>T, p.His399Tyr (NM_001190384.3); c.1348C>T, p.His450Tyr (NM_001190388.2, NM_001374798.1); c.1372C>T, p.His458Tyr (NM_001374797.1); c.1411+488C>T (NM_001190383.3); short protein forms H509Y, H540Y, H399Y, H450Y, H458Y.
Identifiers: ClinVar variation 553974 (VCV000553974.11), dbSNP rs754892377, ClinGen allele CA5056471.

ClinVar aggregate classification (germline): Pathogenic/Likely pathogenic. Review status: criteria provided, multiple submitters, no conflicts (2 of 4 stars). 3 submissions from 3 submitters: Pathogenic (1); Likely pathogenic (1). 1 of the submissions does not count toward it. Last evaluated 2024-01-23.

Conditions:
Sialuria. Also called: SIALURIA, FRENCH TYPE; Sialic Acid Storage Disease. Identifiers: Orphanet 3166, MedGen C0342853, MONDO:0010028, OMIM 269921.
GNE myopathy (NM). Also called: IBM 2; Inclusion body myopathy autosomal recessive; Inclusion body myopathy quadriceps sparing; NONAKA DISTAL MYOPATHY; INCLUSION BODY MYOPATHY, HEREDITARY, AUTOSOMAL RECESSIVE; INCLUSION BODY MYOPATHY 2, AUTOSOMAL RECESSIVE. Identifiers: Orphanet 602, MedGen C1853926, MONDO:0011603, OMIM 605820.

Allele frequency attached by ClinVar (database versions not stated): gnomAD exomes below 0.00001 and 0.00001; TOPMed 0.00001; ExAC 0.00002.
gnomAD v4.1: 4 of 1,614,136 alleles (0.00025%); highest among the groups gnomAD compares: East Asian, 0.0067%; no homozygotes.

Submissions (3):

Baylor Genetics
Classification: Pathogenic for GNE myopathy. Last evaluated: 2024-01-23. Review status: criteria provided, single submitter. Criteria: ACMG Guidelines, 2015. Collection method: clinical testing. Allele origin: unknown.

Labcorp Genetics (formerly Invitae), Labcorp
Classification: Likely pathogenic for Sialuria; GNE myopathy. Last evaluated: 2023-11-14. Review status: criteria provided, single submitter. Criteria: Invitae Variant Classification Sherloc (09022015). Collection method: clinical testing. Allele origin: germline.
Comment: This sequence change replaces histidine, which is basic and polar, with tyrosine, which is neutral and polar, at codon 540 of the GNE protein (p.His540Tyr). This variant is present in population databases (rs754892377, gnomAD 0.006%). This missense change has been observed in individuals with autosomal recessive GNE-related myopathy (PMID: 21307865, 22196754, 25986339). This variant is also known as c.1525C >T (p.H509Y). ClinVar contains an entry for this variant (Variation ID: 553974). Advanced modeling of protein sequence and biophysical properties (such as structural, functional, and spatial information, amino acid conservation, physicochemical variation, residue mobility, and thermodynamic stability) has been performed at Invitae for this missense variant, however the output from this modeling did not meet the statistical confidence thresholds required to predict the impact of this variant on GNE protein function. Algorithms developed to predict the effect of sequence changes on RNA splicing suggest that this variant may create or strengthen a splice site. In summary, the currently available evidence indicates that the variant is pathogenic, but additional data are needed to prove that conclusively. Therefore, this variant has been classified as Likely Pathogenic.

Counsyl
Classification: Likely pathogenic for GNE myopathy. Last evaluated: 2017-10-06. Review status: no assertion criteria provided. Collection method: clinical testing. Allele origin: unknown. Not counted in ClinVar's aggregate classification.

Literature cited by the submitters: PubMed 21307865 (cited by Labcorp Genetics (formerly Invitae), Labcorp); PubMed 22196754 (cited by Labcorp Genetics (formerly Invitae), Labcorp and Counsyl); PubMed 25986339 (cited by Labcorp Genetics (formerly Invitae), Labcorp and Counsyl); PubMed 28641925 (cited by Counsyl); PubMed 27858732 (cited by Counsyl).